The following is an entry in ClinVar:

ClinVar aggregate classification (germline): Uncertain significance (1 of 4 stars; one submission).

Conditions:
Primary familial hypertrophic cardiomyopathy (HCM). Identifiers: Orphanet 99739, MedGen C0949658, MeSH D024741, MONDO:0024573. Inheritance: Various modes of inheritance.

Submission:

Labcorp Genetics (formerly Invitae), Labcorp
Classification: Uncertain significance for Primary familial hypertrophic cardiomyopathy. Last evaluated: 2024-05-23. Review status: criteria provided, single submitter. Criteria: Invitae Variant Classification Sherloc (09022015). Collection method: clinical testing. Allele origin: germline.
Comment: This variant, c.625_636del, results in the deletion of 4 amino acid(s) of the ILK protein (p.Lys209_Trp212del), but otherwise preserves the integrity of the reading frame. This variant is not present in population databases (gnomAD no frequency). This variant has not been reported in the literature in individuals affected with ILK-related conditions. Experimental studies and prediction algorithms are not available or were not evaluated, and the functional significance of this variant is currently unknown. In summary, the available evidence is currently insufficient to determine the role of this variant in disease. Therefore, it has been classified as a Variant of Uncertain Significance.

NM_004517.4(ILK):c.625_636del (p.Lys209_Trp212del)

Genes: ILK (integrin linked kinase; plus strand), TAF10 (TATA-box binding protein associated factor 10; minus strand). Cytogenetic location: 11p15.4.
Variant type: Deletion.
Coding change: c.625_636del on transcript NM_004517.4 (MANE Select); coding-DNA positions 625 to 636, 12 bases deleted (AAGGGCCGCTGG).
Protein change: p.Lys209_Trp212del.
Molecular consequence: inframe deletion. On other transcripts: 3 prime UTR variant (1).
Genome position (GRCh38, 1-based): chr11:6,609,305-6,609,316, AAGGGCCGCTGG deleted; deleting any 12 consecutive bases within chr11:6,609,302-6,609,316 gives the same sequence; the c. name uses the placement nearest the transcript's 3' end. VCF-style (leftmost placement, unchanged base first): chr11-6609301-ATGGAAGGGCCGC-A. GRCh37 (hg19) VCF-style: chr11-6630532-ATGGAAGGGCCGC-A.
Other names: c.625_636del, p.Lys209_Trp212del (NM_001014794.3, NM_001014795.3); c.442_453del, p.Lys148_Trp151del (NM_001278441.2); c.223_234del, p.Lys75_Trp78del (NM_001278442.2); c.*1609_*1620del (NM_006284.4).
Identifiers: ClinVar variation 3608238 (VCV003608238.2).